The following is an entry in ClinVar:

ClinVar aggregate classification (germline): Likely pathogenic (1 of 4 stars; one submission).

Conditions:
Cerebellar dysfunction with variable cognitive and behavioral abnormalities (CECBA). Also called: Nonprogressive cerebellar atxia with intellectual disability. Identifiers: Orphanet 314647, MedGen C3553661, MONDO:0013886, OMIM 614756.

Submission:

CGC Genetics, Unilabs
Classification: Likely pathogenic for Cerebellar dysfunction with variable cognitive and behavioral abnormalities. Last evaluated: 2026-03-30. Review status: criteria provided, single submitter. Criteria: ACMG Guidelines, 2015. Collection method: clinical testing. Allele origin: germline. Inheritance: Autosomal dominant inheritance. Affected: yes. Observed: 1 variant allele.
Comment: The NM_015215.4:c.2712C>A p.(Cys904*) variant, detected in heterozygosity in the exon 10 (of 23) of the CAMTA1 gene (chr.1), is not described in the literature or in the ClinVar and gnomAD databases. Given its nature (nonsense), it is anticipated that a premature stop codon will be introduced, resulting in the production of a truncated protein and/or loss of expression due to mRNA degradation. Based on the information currently available, this variant is classified as likely pathogenic.

NM_015215.4(CAMTA1):c.2712C>A (p.Cys904Ter)

Gene: CAMTA1 (calmodulin binding transcription activator 1; plus strand). Cytogenetic location: 1p36.23.
Variant type: single nucleotide variant.
Coding change: c.2712C>A on transcript NM_015215.4 (MANE Select); coding-DNA position 2712, C replaced by A.
Protein change: p.Cys904Ter; replaces cysteine 904 with a stop codon.
Molecular consequence: nonsense. On other transcripts: 5 prime UTR variant (6).
Genome position (GRCh38, 1-based): chr1:7,670,970, C>A. VCF-style: chr1-7670970-C-A. GRCh37 (hg19) VCF-style: chr1-7731030-C-A.
Other names: c.2622C>A, p.Cys874Ter (NM_001349608.2, NM_001349612.2); c.2712C>A, p.Cys904Ter (NM_001349609.2, NM_001349610.2, NM_001410737.1); c.-217C>A (NM_001349614.1, NM_001349617.1, NM_001349620.1 and 3 more transcripts); c.2640C>A, p.Cys880Ter (NM_001410738.1); short protein forms C874*, C880*, C904*.
Identifiers: ClinVar variation 4851602 (VCV004851602.1).